The following is an entry in ClinVar:

NM_001931.5(DLAT):c.1202C>T (p.Pro401Leu)

Gene: DLAT (dihydrolipoamide S-acetyltransferase; plus strand). Cytogenetic location: 11q23.1.
Variant type: single nucleotide variant.
Coding change: c.1202C>T on transcript NM_001931.5 (MANE Select); coding-DNA position 1202, C replaced by T.
Protein change: p.Pro401Leu; replaces proline 401 with leucine.
Molecular consequence: missense variant. On other transcripts: non-coding transcript variant (1).
Genome position (GRCh38, 1-based): chr11:112,045,142, C>T. VCF-style: chr11-112045142-C-T. GRCh37 (hg19) VCF-style: chr11-111915866-C-T.
Other names: c.1202C>T, p.Pro401Leu (NM_001372031.1, NM_001372033.1, NM_001372035.1); c.1196C>T, p.Pro399Leu (NM_001372032.1); c.1169C>T, p.Pro390Leu (NM_001372034.1); c.1076C>T, p.Pro359Leu (NM_001372036.1); c.1034C>T, p.Pro345Leu (NM_001372037.1); c.923C>T, p.Pro308Leu (NM_001372038.1); c.887C>T, p.Pro296Leu (NM_001372039.1, NM_001372041.1); c.821C>T, p.Pro274Leu (NM_001372040.1); and 1 more; short protein forms P401L, P247L, P308L, P359L, P390L, P274L, P345L, P399L.
Identifiers: ClinVar variation 547881 (VCV000547881.13), dbSNP rs781794850, ClinGen allele CA6276857.

ClinVar aggregate classification (germline): Uncertain significance. Review status: criteria provided, multiple submitters, no conflicts (2 of 4 stars). 3 submissions from 3 submitters: Uncertain significance (3). Last evaluated 2024-10-28.

Conditions:
Inborn genetic diseases. Identifiers: MedGen C0950123, MeSH D030342.
Pyruvate dehydrogenase E2 deficiency (PDHDD). Also called: LACTIC ACIDEMIA DUE TO DEFECT OF E2 LIPOYL TRANSACETYLASE OF THE PYRUVATE DEHYDROGENASE COMPLEX; Dihydrolipoamide Acetyltransferase (E2) Deficiency. Identifiers: Orphanet 765, Orphanet 79244, MedGen C1855565, MONDO:0009502, OMIM 245348.

Allele frequency attached by ClinVar (database versions not stated): TOPMed below 0.00001; gnomAD 0.00001 and 0.00002; gnomAD exomes 0.00002 and 0.00003; ExAC 0.00004.
gnomAD v4.1: 39 of 1,613,738 alleles (0.0024%); highest among the groups gnomAD compares: South Asian, 0.0099%; no homozygotes.

Submissions (3):

Ambry Genetics
Classification: Uncertain significance for Inborn genetic diseases. Last evaluated: 2024-10-28. Review status: criteria provided, single submitter. Criteria: Ambry Variant Classification Scheme 2023. Collection method: clinical testing. Allele origin: germline.

Labcorp Genetics (formerly Invitae), Labcorp
Classification: Uncertain significance for Pyruvate dehydrogenase E2 deficiency. Last evaluated: 2023-10-03. Review status: criteria provided, single submitter. Criteria: Invitae Variant Classification Sherloc (09022015). Collection method: clinical testing. Allele origin: germline.
Comment: This sequence change replaces proline, which is neutral and non-polar, with leucine, which is neutral and non-polar, at codon 401 of the DLAT protein (p.Pro401Leu). This variant is present in population databases (rs781794850, gnomAD 0.01%). This variant has not been reported in the literature in individuals affected with DLAT-related conditions. ClinVar contains an entry for this variant (Variation ID: 547881). Advanced modeling of protein sequence and biophysical properties (such as structural, functional, and spatial information, amino acid conservation, physicochemical variation, residue mobility, and thermodynamic stability) performed at Invitae indicates that this missense variant is not expected to disrupt DLAT protein function. In summary, the available evidence is currently insufficient to determine the role of this variant in disease. Therefore, it has been classified as a Variant of Uncertain Significance.

Mayo Clinic Laboratories, Mayo Clinic
Classification: Uncertain significance for Pyruvate dehydrogenase E2 deficiency. Last evaluated: 2016-11-07. Review status: criteria provided, single submitter. Criteria: ACMG Guidelines, 2015. Collection method: clinical testing. Allele origin: maternal.